The following is an entry in ClinVar:

ClinVar aggregate classification (germline): Uncertain significance (1 of 4 stars; one submission).

Submission:

GeneDx
Classification: Uncertain significance. Last evaluated: 2019-08-27. Review status: criteria provided, single submitter. Criteria: GeneDx Variant Classification Process June 2021. Collection method: clinical testing. Allele origin: germline. Affected: yes.
Comment: Not observed in large population cohorts (Lek et al., 2016); In silico analysis, which includes protein predictors and evolutionary conservation, supports that this variant does not alter protein structure/function; Has not been previously published as pathogenic or benign to our knowledge

NM_001042750.2(STAG2):c.797_798delinsAA (p.Leu266Gln)

Gene: STAG2 (STAG2 cohesin complex component; plus strand). Cytogenetic location: Xq25.
Variant type: Indel.
Coding change: c.797_798delinsAA on transcript NM_001042750.2 (MANE Select); coding-DNA positions 797 to 798, TC replaced by AA.
Protein change: p.Leu266Gln; replaces leucine 266 with glutamine.
Molecular consequence: missense variant.
Genome position (GRCh38, 1-based): chrX:124,047,483-124,047,484, TC replaced by AA. VCF-style: chrX-124047483-TC-AA. GRCh37 (hg19) VCF-style: chrX-123181333-TC-AA.
Other names: c.797_798delinsAA, p.Leu266Gln (NM_001042749.2, NM_001042751.2, NM_001282418.2 and 13 more transcripts); short protein forms L266Q.
Identifiers: ClinVar variation 1318909 (VCV001318909.2), dbSNP rs2148196105, ClinGen allele CA2573055096.